The following is an entry in ClinVar:

NM_133433.4(NIPBL):c.466G>T (p.Val156Leu)

Gene: NIPBL (NIPBL cohesin loading factor; plus strand). Cytogenetic location: 5p13.2.
Variant type: single nucleotide variant.
Coding change: c.466G>T on transcript NM_133433.4 (MANE Select); coding-DNA position 466, G replaced by T.
Protein change: p.Val156Leu; replaces valine 156 with leucine.
Molecular consequence: missense variant.
Genome position (GRCh38, 1-based): chr5:36,962,130, G>T. VCF-style: chr5-36962130-G-T. GRCh37 (hg19) VCF-style: chr5-36962232-G-T.
Other names: c.466G>T, p.Val156Leu (NM_015384.5); short protein forms V156L.
Identifiers: ClinVar variation 3592225 (VCV003592225.2).
Genomic context (GRCh38, chr5:36,962,130, plus strand): 5'-TAGCGTGTTTATTTTATTTCCTTATATTTTTTTATTTGGGTTTTGGGTTTTAGCCGGTTT[G>T]TGCCACCACAGACAAGCTCTGGGAACAGATTTATGCCACAGCAAAATAGCCCAGTGCCTA-3'
Protein context (NP_597677.2, residues 146-166): TISHSPSSRF[Val156Leu]PPQTSSGNRF

ClinVar aggregate classification (germline): Uncertain significance. Review status: criteria provided, multiple submitters, no conflicts (2 of 4 stars). 2 submissions from 2 submitters: Uncertain significance (2). Last evaluated 2025-04-19.

Conditions:
Cornelia de Lange syndrome 1 (CDLS1). Also called: TYPUS DEGENERATIVUS AMSTELODAMENSIS; Brachmann de Lange syndrome; NIPBL-Related Cornelia de Lange Syndrome. Identifiers: Orphanet 199, MedGen C4551851, MONDO:0007387, OMIM 122470.

gnomAD v4.1: 2 of 1,613,854 alleles (0.00012%); highest among the groups gnomAD compares: African/African-American, 0.0027%; no homozygotes.

Submissions (2):

Labcorp Genetics (formerly Invitae), Labcorp
Classification: Uncertain significance for Cornelia de Lange syndrome 1. Last evaluated: 2025-04-19. Review status: criteria provided, single submitter. Criteria: Invitae Variant Classification Sherloc (09022015). Collection method: clinical testing. Allele origin: germline.
Comment: This sequence change replaces valine, which is neutral and non-polar, with leucine, which is neutral and non-polar, at codon 156 of the NIPBL protein (p.Val156Leu). This variant is present in population databases (no rsID available, gnomAD 0.007%). This variant has not been reported in the literature in individuals affected with NIPBL-related conditions. ClinVar contains an entry for this variant (Variation ID: 3592225). Invitae Evidence Modeling of protein sequence and biophysical properties (such as structural, functional, and spatial information, amino acid conservation, physicochemical variation, residue mobility, and thermodynamic stability) has been performed for this missense variant. However, the output from this modeling did not meet the statistical confidence thresholds required to predict the impact of this variant on NIPBL protein function. In summary, the available evidence is currently insufficient to determine the role of this variant in disease. Therefore, it has been classified as a Variant of Uncertain Significance.

Fulgent Genetics
Classification: Uncertain significance for Cornelia de Lange syndrome 1. Last evaluated: 2024-04-23. Review status: criteria provided, single submitter. Criteria: ACMG Guidelines, 2015. Collection method: clinical testing. Allele origin: germline.